The following is an entry in ClinVar:

ClinVar aggregate classification (germline): Uncertain significance (1 of 4 stars; one submission).

Conditions:
Hereditary cancer-predisposing syndrome. Also called: Tumor predisposition; Hereditary neoplastic syndrome; Hereditary Cancer Syndrome; Neoplastic Syndromes, Hereditary. Identifiers: Orphanet 140162, MedGen C0027672, MeSH D009386, MONDO:0015356.

Submission:

Ambry Genetics
Classification: Uncertain significance for Hereditary cancer-predisposing syndrome. Last evaluated: 2025-05-27. Review status: criteria provided, single submitter. Criteria: Ambry Variant Classification Scheme 2023. Collection method: clinical testing. Allele origin: germline.
Comment: The p.C600F variant (also known as c.1799G>T), located in coding exon 17 of the POLE gene, results from a G to T substitution at nucleotide position 1799. The cysteine at codon 600 is replaced by phenylalanine, an amino acid with highly dissimilar properties. This amino acid position is conserved. In addition, the in silico prediction for this alteration is inconclusive. Based on the available evidence, the clinical significance of this variant remains unclear.

NM_006231.4(POLE):c.1799G>T (p.Cys600Phe)

Gene: POLE (DNA polymerase epsilon, catalytic subunit; minus strand). Cytogenetic location: 12q24.33.
Variant type: single nucleotide variant.
Coding change: c.1799G>T on transcript NM_006231.4 (MANE Select); coding-DNA position 1799, G replaced by T.
Protein change: p.Cys600Phe; replaces cysteine 600 with phenylalanine.
Molecular consequence: missense variant.
Genome position (GRCh38, 1-based): chr12:132,668,935, C>A on the plus strand (G>T on the coding strand, the complement: POLE is on the minus strand). VCF-style: chr12-132668935-C-A. GRCh37 (hg19) VCF-style: chr12-133245521-C-A.
Other names: short protein forms C600F.
Identifiers: ClinVar variation 3935777 (VCV003935777.1).